The following is an entry in ClinVar:

NM_024537.4(CARS2):c.886T>G (p.Cys296Gly)

Gene: CARS2 (cysteinyl-tRNA synthetase 2, mitochondrial; minus strand). Cytogenetic location: 13q34.
Variant type: single nucleotide variant.
Coding change: c.886T>G on transcript NM_024537.4 (MANE Select); coding-DNA position 886, T replaced by G.
Protein change: p.Cys296Gly; replaces cysteine 296 with glycine.
Molecular consequence: missense variant. On other transcripts: non-coding transcript variant (2).
Genome position (GRCh38, 1-based): chr13:110,667,373, A>C on the plus strand (T>G on the coding strand, the complement: CARS2 is on the minus strand). VCF-style: chr13-110667373-A-C. GRCh37 (hg19) VCF-style: chr13-111319720-A-C.
Other names: c.100T>G, p.Cys34Gly (NM_001352252.2); c.886T>G, p.Cys296Gly (NM_001352253.3); short protein forms C296G, C34G.
Identifiers: ClinVar variation 1445928 (VCV001445928.4), dbSNP rs751712957, ClinGen allele CA7052047.
Genomic context (GRCh38, chr13:110,667,373, plus strand): 5'-ACAAATTAATCTGAAGTTATTACTTACCAGAATGCAGAAAATAATTTCCCCACTGCTCGC[A>C]CTGATGAAAGACTTCGCACTGTGCAATTTCGTTTTCATGATGTGGAAAAGCTAAATCTAT-3'
Protein context (NP_078813.1, residues 286-306): EIAQCEVFHQ[Cys296Gly]EQWGNYFLHS

ClinVar aggregate classification (germline): Uncertain significance (1 of 4 stars; one submission).

Conditions:
Combined oxidative phosphorylation defect type 27. Also called: Combined oxidative phosphorylation deficiency 27. Identifiers: Orphanet 477774, MedGen C5567608, MONDO:0014728, OMIM 616672.

Allele frequency attached by ClinVar (database versions not stated): gnomAD exomes below 0.00001; ExAC 0.00001; TOPMed 0.00002.
gnomAD v4.1: 7 of 1,613,612 alleles (0.00043%); highest among the groups gnomAD compares: African/African-American, 0.0053%; no homozygotes.

Submission:

Labcorp Genetics (formerly Invitae), Labcorp
Classification: Uncertain significance for Combined oxidative phosphorylation defect type 27. Last evaluated: 2021-10-20. Review status: criteria provided, single submitter. Criteria: Invitae Variant Classification Sherloc (09022015). Collection method: clinical testing. Allele origin: germline.
Comment: This variant has not been reported in the literature in individuals affected with CARS2-related conditions. This variant is present in population databases (rs751712957, ExAC 0.01%). This sequence change replaces cysteine with glycine at codon 296 of the CARS2 protein (p.Cys296Gly). The cysteine residue is moderately conserved and there is a large physicochemical difference between cysteine and glycine. Algorithms developed to predict the effect of missense changes on protein structure and function are either unavailable or do not agree on the potential impact of this missense change (SIFT: "Tolerated"; PolyPhen-2: "Possibly Damaging"; Align-GVGD: "Class C0"). In summary, the available evidence is currently insufficient to determine the role of this variant in disease. Therefore, it has been classified as a Variant of Uncertain Significance.